The following is an entry in ClinVar:

NC_000012.12:g.47998432del

Gene: COL2A1 (collagen type II alpha 1 chain; minus strand). Cytogenetic location: 12q13.11.
Variant type: Deletion.
Genome position: GRCh38 VCF-style: chr12-47998429-GC-G. GRCh37 (hg19) VCF-style: chr12-48392212-GC-G.
Identifiers: ClinVar variation 2137352 (VCV002137352.5), dbSNP rs2540183604, ClinGen allele CA2580085548.

ClinVar aggregate classification (germline): Pathogenic (1 of 4 stars; one submission).

Submission:

Labcorp Genetics (formerly Invitae), Labcorp
Classification: Pathogenic. Last evaluated: 2022-08-15. Review status: criteria provided, single submitter. Criteria: Invitae Variant Classification Sherloc (09022015). Collection method: clinical testing. Allele origin: germline.
Comment: For these reasons, this variant has been classified as Pathogenic. This premature translational stop signal has been observed in individual(s) with Stickler syndrome (PMID: 26626311). This variant is not present in population databases (gnomAD no frequency). This sequence change creates a premature translational stop signal (p.Gln99Asnfs*18) in the COL2A1 gene. It is expected to result in an absent or disrupted protein product. Loss-of-function variants in COL2A1 are known to be pathogenic (PMID: 20179744).

Literature cited by the submitters: PubMed 26626311; PubMed 20179744.